The following is an entry in ClinVar:

NM_015338.6(ASXL1):c.1386C>G (p.Ser462Arg)

Gene: ASXL1 (ASXL transcriptional regulator 1; plus strand). Cytogenetic location: 20q11.21.
Variant type: single nucleotide variant.
Coding change: c.1386C>G on transcript NM_015338.6 (MANE Select); coding-DNA position 1386, C replaced by G.
Protein change: p.Ser462Arg; replaces serine 462 with arginine.
Molecular consequence: missense variant.
Genome position (GRCh38, 1-based): chr20:32,433,584, C>G. VCF-style: chr20-32433584-C-G. GRCh37 (hg19) VCF-style: chr20-31021387-C-G.
Other names: c.1203C>G, p.Ser401Arg (NM_001363734.1); short protein forms S401R, S462R.
Identifiers: ClinVar variation 3791636 (VCV003791636.1).
Genomic context (GRCh38, chr20:32,433,584, plus strand): 5'-GGCCTCAGATGTTCCCCTCTACAAGGATGGGGAGGCTAAGACTGACCCAGCAGGGCTGAG[C>G]AGTCCCCATCTGCCAGGCACATCCTCTGCAGCACCCGACCTGGAGGGTCCCGAATTCCCA-3'
Protein context (NP_056153.2, residues 452-472): GEAKTDPAGL[Ser462Arg]SPHLPGTSSA

ClinVar aggregate classification (germline): Uncertain significance (1 of 4 stars; one submission).

Conditions:
Inborn genetic diseases. Identifiers: MedGen C0950123, MeSH D030342.

gnomAD v4.1: 9 of 1,614,156 alleles (0.00056%); highest among the groups gnomAD compares: Non-Finnish European, 0.00076%; no homozygotes.

Submission:

Ambry Genetics
Classification: Uncertain significance for Inborn genetic diseases. Last evaluated: 2024-12-25. Review status: criteria provided, single submitter. Criteria: Ambry Variant Classification Scheme 2023. Collection method: clinical testing. Allele origin: germline.
Comment: The p.S462R variant (also known as c.1386C>G), located in coding exon 12 of the ASXL1 gene, results from a C to G substitution at nucleotide position 1386. The serine at codon 462 is replaced by arginine, an amino acid with dissimilar properties. This amino acid position is conserved. In addition, this alteration is predicted to be tolerated by in silico analysis. Based on the available evidence, the clinical significance of this variant remains unclear.